The following is an entry in ClinVar:

NM_001903.5(CTNNA1):c.302-2A>G

Gene: CTNNA1 (catenin alpha 1; plus strand). Cytogenetic location: 5q31.2.
Variant type: single nucleotide variant.
Coding change: c.302-2A>G on transcript NM_001903.5 (MANE Select); the canonical splice acceptor site of the intron before coding-DNA position 302, A replaced by G.
Molecular consequence: splice acceptor variant. On other transcripts: intron variant (1).
Genome position (GRCh38, 1-based): chr5:138,810,036, A>G. VCF-style: chr5-138810036-A-G. GRCh37 (hg19) VCF-style: chr5-138145725-A-G.
Other names: c.302-2A>G (NM_001323982.2, NM_001323984.2, NM_001290307.3 and 3 more transcripts); c.-5-65A>G (NM_001290310.3); c.-8-2A>G (NM_001290309.3).
Identifiers: ClinVar variation 3773395 (VCV003773395.1).
Genomic context (GRCh38, chr5:138,810,036, plus strand): 5'-AAAATGTAGATCAGTTATTTGAGTTCATTCTTGCTGAGTTTGTTTTTCATTCTGTAAAAC[A>G]GGTGATTTGATGAAGGCTGCTGCAGGAGAGTTCGCAGATGATCCCTGCTCTTCTGTGAAG-3'

ClinVar aggregate classification (germline): Likely pathogenic (1 of 4 stars; one submission).

Conditions:
Hereditary diffuse gastric adenocarcinoma (HDGC). Also called: DIFFUSE GASTRIC AND LOBULAR BREAST CANCER SYNDROME. Identifiers: Orphanet 26106, MedGen C1708349, MONDO:0007648, OMIM 137215.

Submission:

Myriad Genetics, Inc.
Classification: Likely pathogenic for Hereditary diffuse gastric adenocarcinoma. Last evaluated: 2024-10-16. Review status: criteria provided, single submitter. Criteria: Myriad Autosomal Dominant, Autosomal Recessive and X-Linked Classification Criteria (2023). Collection method: clinical testing. Allele origin: unknown.
Comment: This variant is considered likely pathogenic. This variant occurs within a consensus splice junction and is predicted to result in abnormal mRNA splicing of either an out-of-frame exon or an in-frame exon necessary for protein stability and/or normal function.